The following is an entry in ClinVar:

NM_004836.7(EIF2AK3):c.2370_2372del (p.Glu791del)

Genes: EIF2AK3 (eukaryotic translation initiation factor 2 alpha kinase 3; minus strand), EIF2AK3-AS1 (EIF2AK3 antisense RNA 1; plus strand). Cytogenetic location: 2p11.2.
Variant type: Deletion.
Coding change: c.2370_2372del on transcript NM_004836.7 (MANE Select); coding-DNA positions 2370 to 2372, 3 bases deleted (TGA; older notation c.2370_2372delTGA).
Protein change: p.Glu791del; deletes glutamic acid 791.
Molecular consequence: inframe deletion. On other transcripts: non-coding transcript variant (1).
Genome position (GRCh38, 1-based): chr2:88,575,111-88,575,113, TCA deleted on the plus strand (TGA on the coding strand, the reverse complement: EIF2AK3 is on the minus strand). VCF-style (leftmost placement, unchanged base first): chr2-88575110-TTCA-T. GRCh37 (hg19) VCF-style: chr2-88874628-TTCA-T.
Other names: c.1917_1919del, p.Glu640del (NM_001313915.2); short protein forms E640del, E791del.
Identifiers: ClinVar variation 1389898 (VCV001389898.6), dbSNP rs2104411402, ClinGen allele CA2573135922.

ClinVar aggregate classification (germline): Uncertain significance (1 of 4 stars; one submission).

Submission:

Labcorp Genetics (formerly Invitae), Labcorp
Classification: Uncertain significance. Last evaluated: 2022-06-13. Review status: criteria provided, single submitter. Criteria: Invitae Variant Classification Sherloc (09022015). Collection method: clinical testing. Allele origin: germline.
Comment: This variant, c.2370_2372del, results in the deletion of 1 amino acid(s) of the EIF2AK3 protein (p.Glu791del), but otherwise preserves the integrity of the reading frame. This variant is not present in population databases (gnomAD no frequency). In summary, the available evidence is currently insufficient to determine the role of this variant in disease. Therefore, it has been classified as a Variant of Uncertain Significance. Algorithms developed to predict the effect of sequence changes on RNA splicing suggest that this variant may create or strengthen a splice site. This variant has not been reported in the literature in individuals affected with EIF2AK3-related conditions.